The following is an entry in ClinVar:

ClinVar aggregate classification (germline): Uncertain significance. Review status: criteria provided, multiple submitters, no conflicts (2 of 4 stars). 2 submissions from 2 submitters: Uncertain significance (2). Last evaluated 2025-08-25.

Conditions:
RNU4ATAC spectrum disorder. Also called: RNU4atac-opathy. Identifiers: MedGen CN377746, MONDO:0100558.

gnomAD v4.1: 4 of 694,744 alleles (0.00058%); highest among the groups gnomAD compares: Admixed American, 0.002%; no homozygotes.

Submissions (2):

Broad Center for Mendelian Genomics, Broad Institute of MIT and Harvard
Classification: Uncertain significance for RNU4ATAC spectrum disorder. Last evaluated: 2025-08-25. Review status: criteria provided, single submitter. Criteria: Ellingford et al. (Genome Med. 2022). Collection method: curation. Allele origin: germline. Inheritance: Autosomal recessive inheritance.
Comment: Panel sequencing revealed that this variant was in trans with the likely pathogenic variant and also showed the variant was de novo. This variant has not been previously reported in the literature in individuals with RNU4ATAC spectrum disorder, but has been identified in 0.005% (2/43740) of European (Finnish) chromosomes by the Genome Aggregation Database (gnomAD; dbSNP rs765906028). Although this variant has been seen in the general population in a heterozygous state, its frequency is low enough to be consistent with a recessive carrier frequency. This variant has also been reported in ClinVar (VCV001377310.5) and has been interpreted as a variant of uncertain significance by Labcorp Genetics. The n.17G>C variant is located in the Stem II region of RNU4ATAC where several other variants have been identified, suggesting that this variant is in a functional domain and supports pathogenicity (PMID: 26522830, 32628740). In summary, while there is some suspicion for a pathogenic role, the clinical significance of this variant is uncertain. ACMG/AMP Criteria applied: PM1, PM3, PM2_supporting (Richards 2015).

Labcorp Genetics (formerly Invitae), Labcorp
Classification: Uncertain significance. Last evaluated: 2023-10-03. Review status: criteria provided, single submitter. Criteria: Invitae Variant Classification Sherloc (09022015). Collection method: clinical testing. Allele origin: germline.
Comment: This variant occurs in the RNU4ATAC gene, which encodes an RNA molecule that does not result in a protein product. This variant is present in population databases (no rsID available, gnomAD 0.004%). This variant has not been reported in the literature in individuals affected with RNU4ATAC-related conditions. ClinVar contains an entry for this variant (Variation ID: 1377310). Experimental studies and prediction algorithms are not available or were not evaluated, and the functional significance of this variant is currently unknown. In summary, the available evidence is currently insufficient to determine the role of this variant in disease. Therefore, it has been classified as a Variant of Uncertain Significance.

NC_000002.12:g.121530896G>C

Genes: CLASP1 (cytoplasmic linker associated protein 1; minus strand), CLASP1-AS1 (CLASP1 antisense RNA 1; plus strand), RNU4ATAC (RNA, U4atac small nuclear; plus strand). Cytogenetic location: 2q14.2.
Variant type: single nucleotide variant.
Molecular consequence: intron variant (on NM_001395891.1).
Genome position: GRCh38 VCF-style: chr2-121530896-G-C. GRCh37 (hg19) VCF-style: chr2-122288472-G-C.
Other names: c.196-571C>G (NM_001142274.2, NM_015282.3, NM_001378003.1 and 5 more transcripts).
Identifiers: ClinVar variation 1377310 (VCV001377310.6), dbSNP rs765906028, ClinGen allele CA54810778.